The following is an entry in ClinVar:

NM_001079802.2(FKTN):c.1261G>A (p.Ala421Thr)

Gene: FKTN (fukutin; plus strand). Cytogenetic location: 9q31.2.
Variant type: single nucleotide variant.
Coding change: c.1261G>A on transcript NM_001079802.2 (MANE Select); coding-DNA position 1261, G replaced by A.
Protein change: p.Ala421Thr; replaces alanine 421 with threonine.
Molecular consequence: missense variant. On other transcripts: 3 prime UTR variant (1), non-coding transcript variant (2).
Genome position (GRCh38, 1-based): chr9:105,635,139, G>A. VCF-style: chr9-105635139-G-A. GRCh37 (hg19) VCF-style: chr9-108397420-G-A.
Other names: c.1261G>A, p.Ala421Thr (NM_001198963.2, NM_001351496.2, NM_006731.2); c.1192G>A, p.Ala398Thr (NM_001351497.2); c.*53G>A (NM_001351498.2); c.865G>A, p.Ala289Thr (NM_001351499.2, NM_001351500.2, NM_001351501.2 and 1 more transcripts); short protein forms A289T, A398T, A421T.
Identifiers: ClinVar variation 4804466 (VCV004804466.1).

ClinVar aggregate classification (germline): Uncertain significance (1 of 4 stars; one submission).

Conditions:
Walker-Warburg congenital muscular dystrophy. Also called: Muscular dystrophy-dystroglycanopathy, type A; Walker-Warburg syndrome. Identifiers: Orphanet 899, MedGen C0265221, MONDO:0000171.

Submission:

Labcorp Genetics (formerly Invitae), Labcorp
Classification: Uncertain significance for Walker-Warburg congenital muscular dystrophy. Last evaluated: 2025-12-08. Review status: criteria provided, single submitter. Criteria: Invitae Variant Classification Sherloc (09022015). Collection method: clinical testing. Allele origin: germline.
Comment: This sequence change replaces alanine, which is neutral and non-polar, with threonine, which is neutral and polar, at codon 421 of the FKTN protein (p.Ala421Thr). This variant is not present in population databases (gnomAD no frequency). This variant has not been reported in the literature in individuals affected with FKTN-related conditions. Invitae Evidence Modeling of protein sequence and biophysical properties (such as structural, functional, and spatial information, amino acid conservation, physicochemical variation, residue mobility, and thermodynamic stability) has been performed for this missense variant. However, the output from this modeling did not meet the statistical confidence thresholds required to predict the impact of this variant on FKTN protein function. In summary, the available evidence is currently insufficient to determine the role of this variant in disease. Therefore, it has been classified as a Variant of Uncertain Significance.